The following is an entry in ClinVar:

NM_001006630.2(CHRM2):c.673G>A (p.Val225Ile)

Genes: CHRM2 (cholinergic receptor muscarinic 2; plus strand), LOC349160 (uncharacterized LOC349160; minus strand). Cytogenetic location: 7q33.
Variant type: single nucleotide variant.
Coding change: c.673G>A on transcript NM_001006630.2 (MANE Select); coding-DNA position 673, G replaced by A.
Protein change: p.Val225Ile; replaces valine 225 with isoleucine.
Molecular consequence: missense variant.
Genome position (GRCh38, 1-based): chr7:137,015,538, G>A. VCF-style: chr7-137015538-G-A. GRCh37 (hg19) VCF-style: chr7-136700285-G-A.
Other names: c.673G>A, p.Val225Ile (NM_001006631.3, NM_001006632.3, NM_001378972.1 and 6 more transcripts); short protein forms V225I.
Identifiers: ClinVar variation 2076188 (VCV002076188.4), dbSNP rs1161870506, ClinGen allele CA369487028.

ClinVar aggregate classification (germline): Uncertain significance (1 of 4 stars; one submission).

Allele frequency attached by ClinVar (database versions not stated): TOPMed below 0.00001; gnomAD exomes below 0.00001.
gnomAD v4.1: 3 of 1,612,872 alleles (0.00019%); highest among the groups gnomAD compares: Admixed American, 0.0033%; no homozygotes.

Submission:

Labcorp Genetics (formerly Invitae), Labcorp
Classification: Uncertain significance. Last evaluated: 2022-06-20. Review status: criteria provided, single submitter. Criteria: Invitae Variant Classification Sherloc (09022015). Collection method: clinical testing. Allele origin: germline.
Comment: In summary, the available evidence is currently insufficient to determine the role of this variant in disease. Therefore, it has been classified as a Variant of Uncertain Significance. Algorithms developed to predict the effect of missense changes on protein structure and function (SIFT, PolyPhen-2, Align-GVGD) all suggest that this variant is likely to be tolerated. This variant has not been reported in the literature in individuals affected with CHRM2-related conditions. This variant is not present in population databases (gnomAD no frequency). This sequence change replaces valine, which is neutral and non-polar, with isoleucine, which is neutral and non-polar, at codon 225 of the CHRM2 protein (p.Val225Ile).